The following is an entry in ClinVar:

NM_003924.4(PHOX2B):c.599C>T (p.Pro200Leu)

Gene: PHOX2B (paired like homeobox 2B; minus strand). Cytogenetic location: 4p13.
Variant type: single nucleotide variant.
Coding change: c.599C>T on transcript NM_003924.4 (MANE Select); coding-DNA position 599, C replaced by T.
Protein change: p.Pro200Leu; replaces proline 200 with leucine.
Molecular consequence: missense variant.
Genome position (GRCh38, 1-based): chr4:41,746,153, G>A on the plus strand (C>T on the coding strand, the complement: PHOX2B is on the minus strand). VCF-style: chr4-41746153-G-A. GRCh37 (hg19) VCF-style: chr4-41748170-G-A.
Other names: short protein forms P200L.
Identifiers: ClinVar variation 970007 (VCV000970007.14), dbSNP rs964285984, ClinGen allele CA95828574.
Genomic context (GRCh38, chr4:41,746,153, plus strand): 5'-GGGCTGGGCCCGCCGCCGCCGCCTCCATTCGCCCCGCAGCTGGGGGTGGGGTTGGGATTG[G>A]GACCTGGGCCCCCAGTGCTGTCCGGGTCAGTGCTCTTGGCCTCTTTGCTCTCGTCGTCCC-3'
Protein context (NP_003915.2, residues 190-210): TDPDSTGGPG[Pro200Leu]NPNPTPSCGA

ClinVar aggregate classification (germline): Uncertain significance. Review status: criteria provided, multiple submitters, no conflicts (2 of 4 stars). 3 submissions from 3 submitters: Uncertain significance (3). Last evaluated 2025-07-28.

Conditions:
Haddad syndrome (OHD). Also called: Ondine-Hirschsprung disease. Identifiers: Orphanet 99803, MedGen C1859049, MONDO:0020493.
Neuroblastoma, susceptibility to, 2. Identifiers: Orphanet 635, MedGen C2751682, MONDO:0700041, OMIM 613013.
Hereditary cancer-predisposing syndrome. Also called: Neoplastic Syndromes, Hereditary; Hereditary Cancer Syndrome; Tumor predisposition; Hereditary neoplastic syndrome. Identifiers: Orphanet 140162, MedGen C0027672, MeSH D009386, MONDO:0015356.

Allele frequency attached by ClinVar (database versions not stated): gnomAD 0.00002; TOPMed 0.00002.
gnomAD v4.1: 3 of 1,611,858 alleles (0.00019%); highest among the groups gnomAD compares: African/African-American, 0.004%; no homozygotes.

Submissions (3):

Ambry Genetics
Classification: Uncertain significance for Hereditary cancer-predisposing syndrome. Last evaluated: 2025-07-28. Review status: criteria provided, single submitter. Criteria: Ambry Variant Classification Scheme 2023. Collection method: clinical testing. Allele origin: germline.
Comment: The p.P200L variant (also known as c.599C>T), located in coding exon 3 of the PHOX2B gene, results from a C to T substitution at nucleotide position 599. The proline at codon 200 is replaced by leucine, an amino acid with similar properties. This amino acid position is conserved. In addition, the in silico prediction for this alteration is inconclusive. Since supporting evidence is limited at this time, the clinical significance of this alteration remains unclear.

Labcorp Genetics (formerly Invitae), Labcorp
Classification: Uncertain significance for Haddad syndrome. Last evaluated: 2023-10-10. Review status: criteria provided, single submitter. Criteria: Invitae Variant Classification Sherloc (09022015). Collection method: clinical testing. Allele origin: germline.
Comment: This sequence change replaces proline, which is neutral and non-polar, with leucine, which is neutral and non-polar, at codon 200 of the PHOX2B protein (p.Pro200Leu). This variant is not present in population databases (gnomAD no frequency). This variant has not been reported in the literature in individuals affected with PHOX2B-related conditions. ClinVar contains an entry for this variant (Variation ID: 970007). Advanced modeling of protein sequence and biophysical properties (such as structural, functional, and spatial information, amino acid conservation, physicochemical variation, residue mobility, and thermodynamic stability) performed at Invitae indicates that this missense variant is not expected to disrupt PHOX2B protein function. In summary, the available evidence is currently insufficient to determine the role of this variant in disease. Therefore, it has been classified as a Variant of Uncertain Significance.

St. Jude Molecular Pathology, St. Jude Children's Research Hospital
Classification: Uncertain significance for Neuroblastoma, susceptibility to, 2. Last evaluated: 2020-12-16. Review status: criteria provided, single submitter. Criteria: St. Jude Assertion Criteria 2020. Collection method: clinical testing. Allele origin: germline.
Comment: The PHOX2B c.599C>T (p.Pro200Leu) missense change is absent in gnomAD v2.1.1 (PM2_Supporting). In silico tools predict a benign effect on the gene or protein function (BP4), however to our knowledge these predictions have not been confirmed by functional studies. This variant has not been identified in individuals with familial neuroblastoma. In summary, this variant meets criteria to be classified as of uncertain significance based on the ACMG/AMP criteria: PM2_Supporting, BP4.